The following is an entry in ClinVar:

NM_006648.4(WNK2):c.2920C>G (p.Arg974Gly)

Gene: WNK2 (WNK lysine deficient protein kinase 2; plus strand). Cytogenetic location: 9q22.31.
Variant type: single nucleotide variant.
Coding change: c.2920C>G on transcript NM_006648.4 (MANE Select); coding-DNA position 2920, C replaced by G.
Protein change: p.Arg974Gly; replaces arginine 974 with glycine.
Molecular consequence: missense variant.
Genome position (GRCh38, 1-based): chr9:93,259,468, C>G. VCF-style: chr9-93259468-C-G. GRCh37 (hg19) VCF-style: chr9-96021750-C-G.
Other names: c.2920C>G, p.Arg974Gly (NM_001282394.3); short protein forms R974G.
Identifiers: ClinVar variation 3981848 (VCV003981848.1).

ClinVar aggregate classification (germline): Uncertain significance (1 of 4 stars; one submission).

Submission:

Ambry Genetics
Classification: Uncertain significance. Last evaluated: 2025-04-11. Review status: criteria provided, single submitter. Criteria: Ambry Variant Classification Scheme 2023. Collection method: clinical testing. Allele origin: germline.
Comment: The p.R974G variant (also known as c.2920C>G), located in coding exon 11 of the WNK2 gene, results from a C to G substitution at nucleotide position 2920. The arginine at codon 974 is replaced by glycine, an amino acid with dissimilar properties. This amino acid position is conserved. In addition, this alteration is predicted to be tolerated by in silico analysis. Based on the available evidence, the clinical significance of this variant remains unclear.